The following is an entry in ClinVar:

NM_002769.5(PRSS1):c.366C>T (p.Arg122=)

Genes: PRSS1 (serine protease 1; plus strand), TRB (T cell receptor beta locus; plus strand). Cytogenetic location: 7q34.
Variant type: single nucleotide variant.
Coding change: c.366C>T on transcript NM_002769.5 (MANE Select); coding-DNA position 366, C replaced by T.
Protein change: p.Arg122=; no amino-acid change (arginine 122 retained).
Molecular consequence: synonymous variant.
Genome position (GRCh38, 1-based): chr7:142,751,939, C>T. VCF-style: chr7-142751939-C-T. GRCh37 (hg19) VCF-style: chr7-142459790-C-T.
Identifiers: ClinVar variation 496179 (VCV000496179.10), dbSNP rs201487096, ClinGen allele CA4529935.

ClinVar aggregate classification (germline): Benign/Likely benign. Review status: criteria provided, multiple submitters, no conflicts (2 of 4 stars). 3 submissions from 3 submitters: Benign (1); Likely benign (2). Last evaluated 2022-08-28.

Conditions:
Hereditary pancreatitis (PCTT). Also called: PRSS1-Related Hereditary Pancreatitis; Hereditary chronic pancreatitis. Identifiers: Orphanet 676, MedGen C0238339, MONDO:0008185, OMIM 167800.

Allele frequency attached by ClinVar (database versions not stated): gnomAD exomes 0.00005; ExAC 0.00010; 1000 Genomes Project 0.00020.

Submissions (3):

Labcorp Genetics (formerly Invitae), Labcorp
Classification: Likely benign for Hereditary pancreatitis. Last evaluated: 2022-08-28. Review status: criteria provided, single submitter. Criteria: Invitae Variant Classification Sherloc (09022015). Collection method: clinical testing. Allele origin: germline.

Ambry Genetics
Classification: Likely benign for Hereditary pancreatitis. Last evaluated: 2018-10-09. Review status: criteria provided, single submitter. Criteria: Ambry Variant Classification Scheme 2023. Collection method: clinical testing. Allele origin: germline.

Women's Health and Genetics/Laboratory Corporation of America, LabCorp
Classification: Benign. Last evaluated: 2017-03-09. Review status: criteria provided, single submitter. Criteria: LabCorp Variant Classification Summary - May 2015. Collection method: clinical testing. Allele origin: germline.
Comment: Variant summary: The PRSS1 c.366C>T (p.Arg122Arg) variant causes a synonymous change involving the alteration of a non-conserved nucleotide, which 5/5 splice prediction tools predict no significant impact on normal splicing, and 2/5 splice prediction tools predict gain of a cryptic splicing donor site. ESE finder predicts that this variant may affect ESE sites. However, these predictions have yet to be confirmed by functional studies. The variant of interest was observed in the large, broad control population, ExAC, with an allele frequency of 12/121350 (1/10112), predominantly in the South Asian cohort, 7/16512 (1/2359), which significantly exceeds the estimated maximal expected allele frequency for a pathogenic PRSS1 variant, 1/200000. Therefore, suggesting this variant is likely a benign polymorphism found predominantly in population(s) of South Asian origin. This variant has been reported in multiple pancreatitis patients with co-occurrence of a pathogenic PRSS1 variant, c.364C>T (p.R122C - classified as pathogenic by LCA), further supporting the non-pathogenic role of the variant of interest (Haras-Castano_2009). The variant of interest has not, to our knowledge, reported in affected individuals via reputable databases/clinical diagnostic laboratories. Taken together, this variant is classified as benign.

Literature cited by the submitters: PubMed 19454815 (cited by Women's Health and Genetics/Laboratory Corporation of America, LabCorp).